The following is an entry in ClinVar:

ClinVar aggregate classification (germline): Uncertain significance (1 of 4 stars; one submission).

Submission:

GeneDx
Classification: Uncertain significance. Last evaluated: 2024-05-01. Review status: criteria provided, single submitter. Criteria: GeneDx Variant Classification Process June 2021. Collection method: clinical testing. Allele origin: germline. Affected: yes.
Comment: Not observed at significant frequency in large population cohorts (gnomAD); In silico analysis supports that this missense variant has a deleterious effect on protein structure/function; Has not been previously published as pathogenic or benign to our knowledge

NM_018896.5(CACNA1G):c.2510G>T (p.Arg837Leu)

Gene: CACNA1G (calcium voltage-gated channel subunit alpha1 G; plus strand). Cytogenetic location: 17q21.33.
Variant type: single nucleotide variant.
Coding change: c.2510G>T on transcript NM_018896.5 (MANE Select); coding-DNA position 2510, G replaced by T.
Protein change: p.Arg837Leu; replaces arginine 837 with leucine.
Molecular consequence: missense variant. On other transcripts: non-coding transcript variant (5).
Genome position (GRCh38, 1-based): chr17:50,591,491, G>T. VCF-style: chr17-50591491-G-T. GRCh37 (hg19) VCF-style: chr17-48668852-G-T.
Other names: c.2510G>T, p.Arg837Leu (NM_001256324.2, NM_001256325.2, NM_001256326.2 and 24 more transcripts); short protein forms R837L.
Identifiers: ClinVar variation 3373341 (VCV003373341.1).